The following is an entry in ClinVar:

ClinVar aggregate classification (germline): Uncertain significance (1 of 4 stars; one submission).

Conditions:
EYA1-related disorder. Also called: EYA1-related condition.

gnomAD v4.1: 9 of 1,613,996 alleles (0.00056%); highest among the groups gnomAD compares: Non-Finnish European, 0.00076%; no homozygotes.

Submission:

PreventionGenetics, part of Exact Sciences
Classification: Uncertain significance for EYA1-related condition. Last evaluated: 2026-03-26. Review status: criteria provided, single submitter. Criteria: ACMG Guidelines, 2015. Collection method: clinical testing. Allele origin: germline.
Comment: The EYA1 c.1340C>T variant is predicted to result in the amino acid substitution p.Thr447Ile. To our knowledge, this variant has not been reported in the literature. This variant is reported in 0.00088% of alleles in individuals of European (Non-Finnish) descent in gnomAD. At this time, the clinical significance of this variant is uncertain due to the absence of conclusive functional and genetic evidence.

NM_000503.6(EYA1):c.1340C>T (p.Thr447Ile)

Gene: EYA1 (EYA transcriptional coactivator and phosphatase 1; minus strand). Cytogenetic location: 8q13.3.
Variant type: single nucleotide variant.
Coding change: c.1340C>T on transcript NM_000503.6 (MANE Select); coding-DNA position 1340, C replaced by T.
Protein change: p.Thr447Ile; replaces threonine 447 with isoleucine.
Molecular consequence: missense variant.
Genome position (GRCh38, 1-based): chr8:71,216,712, G>A on the plus strand (C>T on the coding strand, the complement: EYA1 is on the minus strand). VCF-style: chr8-71216712-G-A. GRCh37 (hg19) VCF-style: chr8-72128947-G-A.
Other names: c.1322C>T, p.Thr441Ile (NM_001288574.2, NM_172059.5); c.974C>T, p.Thr325Ile (NM_001288575.2); c.1427C>T, p.Thr476Ile (NM_001370333.1); c.1340C>T, p.Thr447Ile (NM_001370334.1, NM_001370335.1, NM_172058.4); c.1319C>T, p.Thr440Ile (NM_001370336.1); c.1241C>T, p.Thr414Ile (NM_001411797.1, NM_172060.4); short protein forms T447I, T476I, T325I, T414I, T440I, T441I.
Identifiers: ClinVar variation 4980323 (VCV004980323.1).